The following is an entry in ClinVar:

ClinVar aggregate classification (germline): Uncertain significance (1 of 4 stars; one submission).

Allele frequency attached by ClinVar (database versions not stated): TOPMed below 0.00001; gnomAD 0.00001.
gnomAD v4.1: 2 of 1,613,958 alleles (0.00012%); highest among the groups gnomAD compares: Admixed American, 0.0017%; no homozygotes.

Submission:

Labcorp Genetics (formerly Invitae), Labcorp
Classification: Uncertain significance. Last evaluated: 2024-01-20. Review status: criteria provided, single submitter. Criteria: Invitae Variant Classification Sherloc (09022015). Collection method: clinical testing. Allele origin: germline.
Comment: This sequence change replaces alanine, which is neutral and non-polar, with threonine, which is neutral and polar, at codon 593 of the GSN protein (p.Ala593Thr). This variant is not present in population databases (gnomAD no frequency). This variant has not been reported in the literature in individuals affected with GSN-related conditions. ClinVar contains an entry for this variant (Variation ID: 1966400). Advanced modeling of protein sequence and biophysical properties (such as structural, functional, and spatial information, amino acid conservation, physicochemical variation, residue mobility, and thermodynamic stability) performed at Invitae indicates that this missense variant is not expected to disrupt GSN protein function with a negative predictive value of 80%. In summary, the available evidence is currently insufficient to determine the role of this variant in disease. Therefore, it has been classified as a Variant of Uncertain Significance.

NM_198252.3(GSN):c.1624G>A (p.Ala542Thr)

Gene: GSN (gelsolin; plus strand). Cytogenetic location: 9q33.2.
Variant type: single nucleotide variant.
Coding change: c.1624G>A on transcript NM_198252.3 (MANE Select); coding-DNA position 1624, G replaced by A.
Protein change: p.Ala542Thr; replaces alanine 542 with threonine.
Molecular consequence: missense variant.
Genome position (GRCh38, 1-based): chr9:121,327,344, G>A. VCF-style: chr9-121327344-G-A. GRCh37 (hg19) VCF-style: chr9-124089622-G-A.
Other names: c.1777G>A, p.Ala593Thr (NM_000177.5); c.1624G>A, p.Ala542Thr (NM_001127662.2, NM_001127664.2, NM_001127665.2 and 10 more transcripts); c.1732G>A, p.Ala578Thr (NM_001127663.2); c.1657G>A, p.Ala553Thr (NM_001127666.2, NM_001353063.2, NM_001353064.2 and 13 more transcripts); c.1675G>A, p.Ala559Thr (NM_001258029.2); c.1648G>A, p.Ala550Thr (NM_001258030.2); c.1696G>A, p.Ala566Thr (NM_001353076.2); c.970G>A, p.Ala324Thr (NM_001353078.2); short protein forms A542T, A550T, A553T, A559T, A324T, A566T, A593T, A578T.
Identifiers: ClinVar variation 1966400 (VCV001966400.5), dbSNP rs2063338508, ClinGen allele CA374755690.